The following is an entry in ClinVar:

NM_001457.4(FLNB):c.7530G>A (p.Ser2510=)

Genes: FLNB (filamin B; plus strand), FLNB-AS1 (FLNB antisense RNA 1; minus strand). Cytogenetic location: 3p14.3.
Variant type: single nucleotide variant.
Coding change: c.7530G>A on transcript NM_001457.4 (MANE Select); coding-DNA position 7530, G replaced by A.
Protein change: p.Ser2510=; no amino-acid change (serine 2510 retained).
Molecular consequence: synonymous variant.
Genome position (GRCh38, 1-based): chr3:58,169,702, G>A. VCF-style: chr3-58169702-G-A. GRCh37 (hg19) VCF-style: chr3-58155429-G-A.
Other names: c.7623G>A, p.Ser2541= (NM_001164317.2); c.7497G>A, p.Ser2499= (NM_001164318.2); c.7458G>A, p.Ser2486= (NM_001164319.2).
Identifiers: ClinVar variation 515441 (VCV000515441.9), dbSNP rs141700862, ClinGen allele CA2469714.

ClinVar aggregate classification (germline): Likely benign. Review status: criteria provided, multiple submitters, no conflicts (2 of 4 stars). 2 submissions from 2 submitters: Likely benign (2). Last evaluated 2025-12-21.

Allele frequency attached by ClinVar (database versions not stated): gnomAD exomes 0.00011 and 0.00024; ExAC 0.00032; ESP Exome Variant Server 0.00038; TOPMed 0.00051; gnomAD 0.00056 and 0.00060; 1000 Genomes Project 30x 0.00094; 1000 Genomes Project 0.00120.
gnomAD v4.1: 254 of 1,614,030 alleles (0.016%); highest among the groups gnomAD compares: African/African-American, 0.15%; 2 homozygotes.

Submissions (2):

Labcorp Genetics (formerly Invitae), Labcorp
Classification: Likely benign. Last evaluated: 2025-12-21. Review status: criteria provided, single submitter. Criteria: Invitae Variant Classification Sherloc (09022015). Collection method: clinical testing. Allele origin: germline.

GeneDx
Classification: Likely benign. Last evaluated: 2018-02-05. Review status: criteria provided, single submitter. Criteria: GeneDx Variant Classification (06012015). Collection method: clinical testing. Allele origin: germline. Affected: yes.
Comment: This variant is considered likely benign or benign based on one or more of the following criteria: it is a conservative change, it occurs at a poorly conserved position in the protein, it is predicted to be benign by multiple in silico algorithms, and/or has population frequency not consistent with disease.